The following is an entry in ClinVar:

ClinVar aggregate classification (germline): Uncertain significance (1 of 4 stars; one submission).

Conditions:
Fanconi anemia (FA). Also called: Fanconi's anemia. Identifiers: Orphanet 84, MedGen C0015625, MeSH D005199, MONDO:0019391.

Submission:

Labcorp Genetics (formerly Invitae), Labcorp
Classification: Uncertain significance for Fanconi anemia. Last evaluated: 2023-01-09. Review status: criteria provided, single submitter. Criteria: Invitae Variant Classification Sherloc (09022015). Collection method: clinical testing. Allele origin: germline.
Comment: This variant is not present in population databases (gnomAD no frequency). This variant has not been reported in the literature in individuals affected with FANCA-related conditions. Advanced modeling of protein sequence and biophysical properties (such as structural, functional, and spatial information, amino acid conservation, physicochemical variation, residue mobility, and thermodynamic stability) performed at Invitae indicates that this missense variant is expected to disrupt FANCA protein function. In summary, the available evidence is currently insufficient to determine the role of this variant in disease. Therefore, it has been classified as a Variant of Uncertain Significance. This sequence change replaces proline, which is neutral and non-polar, with serine, which is neutral and polar, at codon 332 of the FANCA protein (p.Pro332Ser).

NM_000135.4(FANCA):c.994C>T (p.Pro332Ser)

Gene: FANCA (FA complementation group A; minus strand). Cytogenetic location: 16q24.3.
Variant type: single nucleotide variant.
Coding change: c.994C>T on transcript NM_000135.4 (MANE Select); coding-DNA position 994, C replaced by T.
Protein change: p.Pro332Ser; replaces proline 332 with serine.
Molecular consequence: missense variant.
Genome position (GRCh38, 1-based): chr16:89,795,918, G>A on the plus strand (C>T on the coding strand, the complement: FANCA is on the minus strand). VCF-style: chr16-89795918-G-A. GRCh37 (hg19) VCF-style: chr16-89862326-G-A.
Other names: c.994C>T, p.Pro332Ser (NM_001286167.3); short protein forms P332S.
Identifiers: ClinVar variation 2415658 (VCV002415658.6), dbSNP rs1056497675, ClinGen allele CA397469796.